The following is an entry in ClinVar:

ClinVar aggregate classification (germline): Uncertain significance (1 of 4 stars; one submission).

gnomAD v4.1: 14 of 1,614,130 alleles (0.00087%); highest among the groups gnomAD compares: East Asian, 0.0067%; no homozygotes.

Submission:

Labcorp Genetics (formerly Invitae), Labcorp
Classification: Uncertain significance. Last evaluated: 2025-07-29. Review status: criteria provided, single submitter. Criteria: Invitae Variant Classification Sherloc (09022015). Collection method: clinical testing. Allele origin: germline.
Comment: This sequence change replaces glycine, which is neutral and non-polar, with valine, which is neutral and non-polar, at codon 84 of the TET2 protein (p.Gly84Val). This variant is not present in population databases (gnomAD no frequency). This variant has not been reported in the literature in individuals affected with TET2-related conditions. ClinVar contains an entry for this variant (Variation ID: 2978958). An algorithm developed to predict the effect of missense changes on protein structure and function (PolyPhen-2) suggests that this variant is likely to be tolerated. In summary, the available evidence is currently insufficient to determine the role of this variant in disease. Therefore, it has been classified as a Variant of Uncertain Significance.

NM_001127208.3(TET2):c.251G>T (p.Gly84Val)

Genes: TET2 (tet methylcytosine dioxygenase 2; plus strand), TET2-AS1 (TET2 antisense RNA 1; minus strand). Cytogenetic location: 4q24.
Variant type: single nucleotide variant.
Coding change: c.251G>T on transcript NM_001127208.3 (MANE Select); coding-DNA position 251, G replaced by T.
Protein change: p.Gly84Val; replaces glycine 84 with valine.
Molecular consequence: missense variant.
Genome position (GRCh38, 1-based): chr4:105,234,193, G>T. VCF-style: chr4-105234193-G-T. GRCh37 (hg19) VCF-style: chr4-106155350-G-T.
Other names: c.251G>T, p.Gly84Val (NM_017628.4); short protein forms G84V.
Identifiers: ClinVar variation 2978958 (VCV002978958.3), dbSNP rs1221877686, ClinGen allele CA357791041.